The following is an entry in ClinVar:

NM_020634.3(GDF3):c.583C>T (p.Arg195Trp)

Gene: GDF3 (growth differentiation factor 3; minus strand). Cytogenetic location: 12p13.31.
Variant type: single nucleotide variant.
Coding change: c.583C>T on transcript NM_020634.3 (MANE Select); coding-DNA position 583, C replaced by T.
Protein change: p.Arg195Trp; replaces arginine 195 with tryptophan.
Molecular consequence: missense variant.
Genome position (GRCh38, 1-based): chr12:7,690,390, G>A on the plus strand (C>T on the coding strand, the complement: GDF3 is on the minus strand). VCF-style: chr12-7690390-G-A. GRCh37 (hg19) VCF-style: chr12-7842986-G-A.
Other names: c.583C>T (NM_020634.2); short protein forms R195W.
Identifiers: ClinVar variation 767184 (VCV000767184.14), dbSNP rs112895783, ClinGen allele CA6429200.
Genomic context (GRCh38, chr12:7,690,390, plus strand): 5'-TCACCCCTGAGTCTCTATCTTCTTTGACCAGTATCTCCAGGAATAACCCGAAATTTTTCC[G>A]GGGGTTGTCATTCCAATCCTTAGCTACATCCAGCAGGTTGAAGTGAACAGCACCTTGTGG-3'
Protein context (NP_065685.1, residues 185-205): DVAKDWNDNP[Arg195Trp]KNFGLFLEIL

ClinVar aggregate classification (germline): Benign/Likely benign. Review status: criteria provided, multiple submitters, no conflicts (2 of 4 stars). 3 submissions from 3 submitters: Benign (1); Likely benign (1). 1 of the submissions does not count toward it. Last evaluated 2022-09-09.

Conditions:
Klippel-Feil syndrome 3, autosomal dominant (KFS3). Identifiers: Orphanet 2345, MedGen C3150967, MONDO:0013375, OMIM 613702.
Isolated microphthalmia 7. Identifiers: Orphanet 2542, MedGen C3150969, MONDO:0013377, OMIM 613704.
Microphthalmia, isolated, with coloboma 6 (MCOPCB6). Also called: MICROPHTHALMIA/COLOBOMA 6; Microphthalmia with coloboma 6, digenic; Microphthalmia with coloboma 6. Identifiers: Orphanet 98938, MedGen C3150968, MONDO:0013376, OMIM 613703.
GDF3-related disorder. Also called: GDF3-related condition.

Allele frequency attached by ClinVar (database versions not stated): gnomAD exomes 0.00019 and 0.00047; ExAC 0.00054; gnomAD 0.00161 and 0.00165; TOPMed 0.00173; 1000 Genomes Project 0.00180; ESP Exome Variant Server 0.00192; 1000 Genomes Project 30x 0.00203.

Submissions (3):

Labcorp Genetics (formerly Invitae), Labcorp
Classification: Benign for Klippel-Feil syndrome 3, autosomal dominant. Last evaluated: 2022-09-09. Review status: criteria provided, single submitter. Criteria: Invitae Variant Classification Sherloc (09022015). Collection method: clinical testing. Allele origin: germline.

Fulgent Genetics
Classification: Likely benign for Klippel-Feil syndrome 3, autosomal dominant; Microphthalmia, isolated, with coloboma 6; Isolated microphthalmia 7. Last evaluated: 2021-07-28. Review status: criteria provided, single submitter. Criteria: ACMG Guidelines, 2015. Collection method: clinical testing. Allele origin: unknown.

PreventionGenetics, part of Exact Sciences
Classification: Benign for GDF3-related condition. Last evaluated: 2019-06-03. Review status: no assertion criteria provided. Collection method: clinical testing. Allele origin: germline. Not counted in ClinVar's aggregate classification.
Comment: This variant is classified as benign based on ACMG/AMP sequence variant interpretation guidelines (Richards et al. 2015 PMID: 25741868, with internal and published modifications).